The following is an entry in ClinVar:

NM_001365999.1(SZT2):c.750dup (p.Leu251fs)

Gene: SZT2 (SZT2 subunit of KICSTOR complex; plus strand). Cytogenetic location: 1p34.2.
Variant type: Duplication.
Coding change: c.750dup on transcript NM_001365999.1 (MANE Select); coding-DNA position 750, one base duplicated (A; older notation c.750dupA).
Protein change: p.Leu251fs; shifts the reading frame from leucine 251.
Molecular consequence: frameshift variant.
Genome position (GRCh38, 1-based): chr1:43,416,079, A duplicated. VCF-style (leftmost placement, unchanged base first): chr1-43416078-T-TA. GRCh37 (hg19) VCF-style: chr1-43881749-T-TA.
Other names: c.750dup, p.Leu251fs (NM_015284.4); short protein forms L251fs.
Identifiers: ClinVar variation 916513 (VCV000916513.40), dbSNP rs1651685926, ClinGen allele CA1139656086.
Genomic context (GRCh38, chr1:43,416,078, plus strand): 5'-TGGTGACAGCTGATCTTGGGCTGGTCAGTATGATTCGTCAGGGCATCTTGGCACTGCAGT[T>TA]ACTACCCTCGAACTCTAGTGCAGGTCAGTAGAAGGAATATTGGTGGGACTGGGGAAGCAG-3'

ClinVar aggregate classification (germline): Pathogenic (1 of 4 stars; one submission).

Allele frequency attached by ClinVar (database versions not stated): gnomAD exomes below 0.00001.

Submission:

CeGaT Center for Human Genetics Tuebingen
Classification: Pathogenic. Last evaluated: 2022-09-01. Review status: criteria provided, single submitter. Criteria: CeGaT Center For Human Genetics Tuebingen Variant Classification Criteria Version 2. Collection method: clinical testing. Allele origin: germline. Affected: yes. Observed: 1 variant allele.
Comment: SZT2: PVS1, PM2